The following is an entry in ClinVar:

ClinVar aggregate classification (germline): Uncertain significance. Review status: criteria provided, multiple submitters, no conflicts (2 of 4 stars). 2 submissions from 2 submitters: Uncertain significance (2). Last evaluated 2022-07-19.

Allele frequency attached by ClinVar (database versions not stated): TOPMed 0.00001; gnomAD exomes 0.00002 and 0.00006; ExAC 0.00007.

Submissions (2):

Labcorp Genetics (formerly Invitae), Labcorp
Classification: Uncertain significance. Last evaluated: 2022-07-19. Review status: criteria provided, single submitter. Criteria: Invitae Variant Classification Sherloc (09022015). Collection method: clinical testing. Allele origin: germline.
Comment: In summary, the available evidence is currently insufficient to determine the role of this variant in disease. Therefore, it has been classified as a Variant of Uncertain Significance. Algorithms developed to predict the effect of missense changes on protein structure and function are either unavailable or do not agree on the potential impact of this missense change (SIFT: "Deleterious"; PolyPhen-2: "Probably Damaging"; Align-GVGD: "Class C0"). ClinVar contains an entry for this variant (Variation ID: 1416619). This variant has not been reported in the literature in individuals affected with GPR179-related conditions. This variant is present in population databases (rs766817595, gnomAD 0.04%). This sequence change replaces leucine, which is neutral and non-polar, with valine, which is neutral and non-polar, at codon 109 of the GPR179 protein (p.Leu109Val).

Blueprint Genetics
Classification: Uncertain significance. Last evaluated: 2020-10-15. Review status: criteria provided, single submitter. Criteria: ACMG Guidelines, 2015. Collection method: clinical testing. Allele origin: germline.

NM_001004334.4(GPR179):c.325C>G (p.Leu109Val)

Gene: GPR179 (G protein-coupled receptor 179; minus strand). Cytogenetic location: 17q12.
Variant type: single nucleotide variant.
Coding change: c.325C>G on transcript NM_001004334.4 (MANE Select); coding-DNA position 325, C replaced by G.
Protein change: p.Leu109Val; replaces leucine 109 with valine.
Molecular consequence: missense variant.
Genome position (GRCh38, 1-based): chr17:38,343,465, G>C on the plus strand (C>G on the coding strand, the complement: GPR179 is on the minus strand). VCF-style: chr17-38343465-G-C. GRCh37 (hg19) VCF-style: chr17-36499348-G-C.
Other names: short protein forms L109V.
Identifiers: ClinVar variation 1416619 (VCV001416619.7), dbSNP rs766817595, ClinGen allele CA290111731.